The following is an entry in ClinVar:

ClinVar aggregate classification (germline): Uncertain significance (1 of 4 stars; one submission).

Conditions:
Hereditary cancer-predisposing syndrome. Also called: Neoplastic Syndromes, Hereditary; Tumor predisposition; Hereditary Cancer Syndrome; Hereditary neoplastic syndrome. Identifiers: Orphanet 140162, MedGen C0027672, MeSH D009386, MONDO:0015356.

Allele frequency attached by ClinVar (database versions not stated): gnomAD exomes 0.00001; ExAC 0.00002.

Submission:

Ambry Genetics
Classification: Uncertain significance for Hereditary cancer-predisposing syndrome. Last evaluated: 2022-08-05. Review status: criteria provided, single submitter. Criteria: Ambry Variant Classification Scheme 2023. Collection method: clinical testing. Allele origin: germline.
Comment: The p.H122D variant (also known as c.364C>G), located in coding exon 3 of the CDH1 gene, results from a C to G substitution at nucleotide position 364. The histidine at codon 122 is replaced by aspartic acid, an amino acid with similar properties. This amino acid position is conserved. In addition, this alteration is predicted to be tolerated by in silico analysis. Since supporting evidence is limited at this time, the clinical significance of this alteration remains unclear.

NM_004360.5(CDH1):c.364C>G (p.His122Asp)

Gene: CDH1 (cadherin 1; plus strand). Cytogenetic location: 16q22.1.
Variant type: single nucleotide variant.
Coding change: c.364C>G on transcript NM_004360.5 (MANE Select); coding-DNA position 364, C replaced by G.
Protein change: p.His122Asp; replaces histidine 122 with aspartic acid.
Molecular consequence: missense variant. On other transcripts: 5 prime UTR variant (2).
Genome position (GRCh38, 1-based): chr16:68,801,870, C>G. VCF-style: chr16-68801870-C-G. GRCh37 (hg19) VCF-style: chr16-68835773-C-G.
Other names: c.364C>G, p.His122Asp (NM_001317184.2); c.-1252C>G (NM_001317185.2); c.-1456C>G (NM_001317186.2); short protein forms H122D.
Identifiers: ClinVar variation 1733589 (VCV001733589.2), dbSNP rs528816701, ClinGen allele CA8129834.